The following is an entry in ClinVar:

ClinVar aggregate classification (germline): Uncertain significance (1 of 4 stars; one submission).

Allele frequency attached by ClinVar (database versions not stated): gnomAD exomes below 0.00001.
gnomAD v4.1: 3 of 1,614,082 alleles (0.00019%); highest among the groups gnomAD compares: Non-Finnish European, 0.000085%; no homozygotes.

Submission:

Labcorp Genetics (formerly Invitae), Labcorp
Classification: Uncertain significance. Last evaluated: 2022-06-19. Review status: criteria provided, single submitter. Criteria: Invitae Variant Classification Sherloc (09022015). Collection method: clinical testing. Allele origin: germline.
Comment: This sequence change replaces valine, which is neutral and non-polar, with isoleucine, which is neutral and non-polar, at codon 1044 of the ADAMTSL4 protein (p.Val1044Ile). This variant is not present in population databases (gnomAD no frequency). This variant has not been reported in the literature in individuals affected with ADAMTSL4-related conditions. Algorithms developed to predict the effect of missense changes on protein structure and function (SIFT, PolyPhen-2, Align-GVGD) all suggest that this variant is likely to be disruptive. In summary, the available evidence is currently insufficient to determine the role of this variant in disease. Therefore, it has been classified as a Variant of Uncertain Significance.

NM_019032.6(ADAMTSL4):c.3130G>A (p.Val1044Ile)

Gene: ADAMTSL4 (ADAMTS like 4; plus strand). Cytogenetic location: 1q21.2.
Variant type: single nucleotide variant.
Coding change: c.3130G>A on transcript NM_019032.6 (MANE Select); coding-DNA position 3130, G replaced by A.
Protein change: p.Val1044Ile; replaces valine 1044 with isoleucine.
Molecular consequence: missense variant.
Genome position (GRCh38, 1-based): chr1:150,560,101, G>A. VCF-style: chr1-150560101-G-A. GRCh37 (hg19) VCF-style: chr1-150532577-G-A.
Other names: c.3013G>A, p.Val1005Ile (NM_001288607.2); c.3199G>A, p.Val1067Ile (NM_001288608.2); c.3130G>A, p.Val1044Ile (NM_001378596.1); short protein forms V1005I, V1044I, V1067I.
Identifiers: ClinVar variation 1503354 (VCV001503354.3), dbSNP rs1299078208, ClinGen allele CA342319274.